The following is an entry in ClinVar:

NM_004104.5(FASN):c.2927C>A (p.Thr976Asn)

Gene: FASN (fatty acid synthase; minus strand). Cytogenetic location: 17q25.3.
Variant type: single nucleotide variant.
Coding change: c.2927C>A on transcript NM_004104.5 (MANE Select); coding-DNA position 2927, C replaced by A.
Protein change: p.Thr976Asn; replaces threonine 976 with asparagine.
Molecular consequence: missense variant.
Genome position (GRCh38, 1-based): chr17:82,087,801, G>T on the plus strand (C>A on the coding strand, the complement: FASN is on the minus strand). VCF-style: chr17-82087801-G-T. GRCh37 (hg19) VCF-style: chr17-80045677-G-T.
Other names: short protein forms T976N.
Identifiers: ClinVar variation 2805334 (VCV002805334.3), dbSNP rs775079554, ClinGen allele CA8852578.

ClinVar aggregate classification (germline): Uncertain significance (1 of 4 stars; one submission).

Conditions:
Epileptic encephalopathy. Identifiers: MedGen C0543888, HP:0200134.

Allele frequency attached by ClinVar (database versions not stated): gnomAD exomes below 0.00001; ExAC 0.00002.
gnomAD v4.1: 7 of 1,612,620 alleles (0.00043%); highest among the groups gnomAD compares: South Asian, 0.0022%; no homozygotes.

Submission:

Labcorp Genetics (formerly Invitae), Labcorp
Classification: Uncertain significance for Epileptic encephalopathy. Last evaluated: 2023-02-14. Review status: criteria provided, single submitter. Criteria: Invitae Variant Classification Sherloc (09022015). Collection method: clinical testing. Allele origin: germline.
Comment: In summary, the available evidence is currently insufficient to determine the role of this variant in disease. Therefore, it has been classified as a Variant of Uncertain Significance. Algorithms developed to predict the effect of missense changes on protein structure and function output the following: SIFT: "Not Available"; PolyPhen-2: "Benign"; Align-GVGD: "Not Available". The asparagine amino acid residue is found in multiple mammalian species, which suggests that this missense change does not adversely affect protein function. This variant has not been reported in the literature in individuals affected with FASN-related conditions. This variant is present in population databases (rs775079554, gnomAD 0.002%). This sequence change replaces threonine, which is neutral and polar, with asparagine, which is neutral and polar, at codon 976 of the FASN protein (p.Thr976Asn).